The following is an entry in ClinVar:

NM_015107.3(PHF8):c.-90A>G

Gene: PHF8 (PHD finger protein 8; minus strand). Cytogenetic location: Xp11.22.
Variant type: single nucleotide variant.
Coding change: c.-90A>G on transcript NM_015107.3 (MANE Select); 90 bases upstream of the start codon, A replaced by G.
Molecular consequence: 5 prime UTR variant. On other transcripts: missense variant (4).
Genome position (GRCh38, 1-based): chrX:54,042,818, T>C on the plus strand (A>G on the coding strand, the complement: PHF8 is on the minus strand). VCF-style: chrX-54042818-T-C. GRCh37 (hg19) VCF-style: chrX-54069251-T-C.
Other names: c.19A>G, p.Ile7Val (NM_001184896.1, NM_001441096.1, NM_001441097.1 and 1 more transcripts); c.-90A>G (NM_001184897.2, NM_001184898.2); short protein forms I7V.
Identifiers: ClinVar variation 4534104 (VCV004534104.6).
Genomic context (GRCh38, chrX:54,042,818, plus strand): 5'-CGGCCAGGTTCGTCGTGTCAAGAGGGGCGGGAGGCGGCAGCACGCGTCCTCTCTGGACGA[T>C]AGCTAGGCACAAATAACACTTTTTACAGAGTGAATCAGCCCCCGCCCCCCACCCCCTTGC-3'

ClinVar aggregate classification (germline): Likely benign (1 of 4 stars; one submission).

gnomAD v4.1: 7 of 1,139,700 alleles (0.00061%); highest among the groups gnomAD compares: Middle Eastern, 0.073%; no homozygotes.

Submission:

CeGaT Center for Human Genetics Tuebingen
Classification: Likely benign. Last evaluated: 2025-10-01. Review status: criteria provided, single submitter. Criteria: CeGaT Center For Human Genetics Tuebingen Variant Classification Criteria Version 2. Collection method: clinical testing. Allele origin: germline. Affected: yes. Observed: 1 variant allele.
Comment: PHF8: PP2, BS2